The following is an entry in ClinVar:

ClinVar aggregate classification (germline): Pathogenic (1 of 4 stars; one submission).

Conditions:
Primary ciliary dyskinesia. Also called: Ciliary dyskinesia. Identifiers: Orphanet 244, MedGen C0008780, MONDO:0016575, HP:0012265.

Submission:

Labcorp Genetics (formerly Invitae), Labcorp
Classification: Pathogenic for Primary ciliary dyskinesia. Last evaluated: 2023-08-10. Review status: criteria provided, single submitter. Criteria: Invitae Variant Classification Sherloc (09022015). Collection method: clinical testing. Allele origin: germline.
Comment: This variant has not been reported in the literature in individuals affected with DNAH11-related conditions. This sequence change creates a premature translational stop signal (p.Leu3794*) in the DNAH11 gene. It is expected to result in an absent or disrupted protein product. Loss-of-function variants in DNAH11 are known to be pathogenic (PMID: 18022865, 20513915, 22184204). This variant is not present in population databases (gnomAD no frequency). ClinVar contains an entry for this variant (Variation ID: 238890). Algorithms developed to predict the effect of sequence changes on RNA splicing suggest that this variant may create or strengthen a splice site. For these reasons, this variant has been classified as Pathogenic.

Literature cited by the submitters: PubMed 18022865; PubMed 20513915; PubMed 22184204.

NM_001277115.2(DNAH11):c.11381T>A (p.Leu3794Ter)

Gene: DNAH11 (dynein axonemal heavy chain 11; plus strand). Cytogenetic location: 7p15.3.
Variant type: single nucleotide variant.
Coding change: c.11381T>A on transcript NM_001277115.2 (MANE Select); coding-DNA position 11381, T replaced by A.
Protein change: p.Leu3794Ter; replaces leucine 3794 with a stop codon.
Molecular consequence: nonsense.
Genome position (GRCh38, 1-based): chr7:21,864,542, T>A. VCF-style: chr7-21864542-T-A. GRCh37 (hg19) VCF-style: chr7-21904160-T-A.
Other names: short protein forms L3794*.
Identifiers: ClinVar variation 238890 (VCV000238890.7), dbSNP rs878854435, ClinGen allele CA10582486.